The following is an entry in ClinVar:

NM_001081550.2(THOC2):c.4133A>G (p.Asn1378Ser)

Gene: THOC2 (THO complex subunit 2; minus strand). Cytogenetic location: Xq25.
Variant type: single nucleotide variant.
Coding change: c.4133A>G on transcript NM_001081550.2 (MANE Select); coding-DNA position 4133, A replaced by G.
Protein change: p.Asn1378Ser; replaces asparagine 1378 with serine.
Molecular consequence: missense variant.
Genome position (GRCh38, 1-based): chrX:123,621,240, T>C on the plus strand (A>G on the coding strand, the complement: THOC2 is on the minus strand). VCF-style: chrX-123621240-T-C. GRCh37 (hg19) VCF-style: chrX-122755091-T-C.
Other names: short protein forms N1378S.
Identifiers: ClinVar variation 3771529 (VCV003771529.13).
Genomic context (GRCh38, chrX:123,621,240, plus strand): 5'-GATCTGGGAACAGGTGATTTCAAGGACCCAGAAACTGGTGTTTTTTCTCCTCCTTTAACA[T>C]TTTCCTTTGATTTCATTTCCTTTGCTATATCTCTTTCTCTGGATGGCTCCTTCTCTCTTT-3'
Protein context (NP_001075019.1, residues 1368-1388): DIAKEMKSKE[Asn1378Ser]VKGGEKTPVS

ClinVar aggregate classification (germline): Uncertain significance (1 of 4 stars; one submission).

gnomAD v4.1: 17 of 1,209,242 alleles (0.0014%); highest among the groups gnomAD compares: Non-Finnish European, 0.00034%; no homozygotes.

Submission:

CeGaT Center for Human Genetics Tuebingen
Classification: Uncertain significance. Last evaluated: 2025-02-01. Review status: criteria provided, single submitter. Criteria: CeGaT Center For Human Genetics Tuebingen Variant Classification Criteria Version 2. Collection method: clinical testing. Allele origin: germline. Affected: yes. Observed: 1 variant allele.
Comment: THOC2: PM2